The following is an entry in ClinVar:

NM_001458.5(FLNC):c.3422C>G (p.Pro1141Arg)

Gene: FLNC (filamin C; plus strand). Cytogenetic location: 7q32.1.
Variant type: single nucleotide variant.
Coding change: c.3422C>G on transcript NM_001458.5 (MANE Select); coding-DNA position 3422, C replaced by G.
Protein change: p.Pro1141Arg; replaces proline 1141 with arginine.
Molecular consequence: missense variant.
Genome position (GRCh38, 1-based): chr7:128,844,887, C>G. VCF-style: chr7-128844887-C-G. GRCh37 (hg19) VCF-style: chr7-128484941-C-G.
Other names: c.3422C>G, p.Pro1141Arg (NM_001127487.2); short protein forms P1141R.
Identifiers: ClinVar variation 4812696 (VCV004812696.1).

ClinVar aggregate classification (germline): Uncertain significance (1 of 4 stars; one submission).

Conditions:
Hypertrophic cardiomyopathy 26. Also called: Cardiomyopathy, familial hypertrophic, 26. Identifiers: Orphanet 75249, MedGen C4310749, MONDO:0014883, OMIM 617047.
Myofibrillar myopathy 5. Also called: Filaminopathy (type); FILAMINOPATHY, AUTOSOMAL DOMINANT. Identifiers: Orphanet 171445, MedGen C1836050, MONDO:0012289, OMIM 609524.
Distal myopathy with posterior leg and anterior hand involvement. Also called: WILLIAMS DISTAL MYOPATHY. Identifiers: Orphanet 63273, MedGen C3279722, MONDO:0013550, OMIM 614065.

Submission:

Labcorp Genetics (formerly Invitae), Labcorp
Classification: Uncertain significance for Distal myopathy with posterior leg and anterior hand involvement; Myofibrillar myopathy 5; Hypertrophic cardiomyopathy 26. Last evaluated: 2025-10-21. Review status: criteria provided, single submitter. Criteria: Invitae Variant Classification Sherloc (09022015). Collection method: clinical testing. Allele origin: germline.
Comment: This sequence change replaces proline, which is neutral and non-polar, with arginine, which is basic and polar, at codon 1141 of the FLNC protein (p.Pro1141Arg). This variant is not present in population databases (gnomAD no frequency). This variant has not been reported in the literature in individuals affected with FLNC-related conditions. Invitae Evidence Modeling of protein sequence and biophysical properties (such as structural, functional, and spatial information, amino acid conservation, physicochemical variation, residue mobility, and thermodynamic stability) has been performed for this missense variant. However, the output from this modeling did not meet the statistical confidence thresholds required to predict the impact of this variant on FLNC protein function. In summary, the available evidence is currently insufficient to determine the role of this variant in disease. Therefore, it has been classified as a Variant of Uncertain Significance.